The following is an entry in ClinVar:

NM_017644.3(KLHL24):c.1575G>A (p.Met525Ile)

Gene: KLHL24 (kelch like family member 24; plus strand). Cytogenetic location: 3q27.1.
Variant type: single nucleotide variant.
Coding change: c.1575G>A on transcript NM_017644.3 (MANE Select); coding-DNA position 1575, G replaced by A.
Protein change: p.Met525Ile; replaces methionine 525 with isoleucine.
Molecular consequence: missense variant. On other transcripts: non-coding transcript variant (2).
Genome position (GRCh38, 1-based): chr3:183,672,457, G>A. VCF-style: chr3-183672457-G-A. GRCh37 (hg19) VCF-style: chr3-183390245-G-A.
Other names: c.1650G>A, p.Met550Ile (NM_001349413.1, NM_001349414.1, NM_001349415.1 and 3 more transcripts); c.1575G>A, p.Met525Ile (NM_001349419.1, NM_001349420.1, NM_001349421.1 and 5 more transcripts); c.732G>A, p.Met244Ile (NM_001349428.1, NM_001349429.1); short protein forms M244I, M525I, M550I.
Identifiers: ClinVar variation 3361049 (VCV003361049.1).

ClinVar aggregate classification (germline): Uncertain significance (1 of 4 stars; one submission).

gnomAD v4.1: 3 of 1,610,560 alleles (0.00019%); highest among the groups gnomAD compares: Non-Finnish European, 0.00025%; no homozygotes.

Submission:

GeneDx
Classification: Uncertain significance. Last evaluated: 2023-07-13. Review status: criteria provided, single submitter. Criteria: GeneDx Variant Classification Process June 2021. Collection method: clinical testing. Allele origin: germline. Affected: yes.
Comment: Not observed at significant frequency in large population cohorts (gnomAD); In silico analysis supports that this missense variant does not alter protein structure/function; Has not been previously published as pathogenic or benign to our knowledge